The following is an entry in ClinVar:

NM_133259.4(LRPPRC):c.2610G>C (p.Glu870Asp)

Gene: LRPPRC (leucine rich pentatricopeptide repeat containing; minus strand). Cytogenetic location: 2p21.
Variant type: single nucleotide variant.
Coding change: c.2610G>C on transcript NM_133259.4 (MANE Select); coding-DNA position 2610, G replaced by C.
Protein change: p.Glu870Asp; replaces glutamic acid 870 with aspartic acid.
Molecular consequence: missense variant.
Genome position (GRCh38, 1-based): chr2:43,934,773, C>G on the plus strand (G>C on the coding strand, the complement: LRPPRC is on the minus strand). VCF-style: chr2-43934773-C-G. GRCh37 (hg19) VCF-style: chr2-44161912-C-G.
Other names: c.2610G>C (NM_133259.3); short protein forms E870D.
Identifiers: ClinVar variation 684527 (VCV000684527.5), dbSNP rs139192988, ClinGen allele CA1638409.

ClinVar aggregate classification (germline): Uncertain significance (1 of 4 stars; one submission).

Conditions:
Congenital lactic acidosis, Saguenay-Lac-Saint-Jean type (MC4DN5). Also called: CYTOCHROME c OXIDASE DEFICIENCY, FRENCH CANADIAN TYPE; COX DEFICIENCY, FRENCH CANADIAN TYPE; MITOCHONDRIAL COMPLEX IV DEFICIENCY, NUCLEAR TYPE 5. Identifiers: Orphanet 70472, MedGen C1857355, MONDO:0009069, OMIM 220111.
Inborn genetic diseases. Identifiers: MedGen C0950123, MeSH D030342.

Allele frequency attached by ClinVar (database versions not stated): ExAC 0.00002; gnomAD exomes 0.00003; TOPMed 0.00007; ESP Exome Variant Server 0.00008; gnomAD 0.00010.
gnomAD v4.1: 121 of 1,612,792 alleles (0.0075%); highest among the groups gnomAD compares: Non-Finnish European, 0.0096%; no homozygotes.

Submission:

Ambry Genetics
Classification: Uncertain significance for Inborn genetic diseases. Last evaluated: 2021-07-27. Review status: criteria provided, single submitter. Criteria: Ambry Variant Classification Scheme 2023. Collection method: clinical testing. Allele origin: germline.